The following is an entry in ClinVar:

NM_025137.4(SPG11):c.3320G>C (p.Cys1107Ser)

Gene: SPG11 (SPG11 vesicle trafficking associated, spatacsin; minus strand). Cytogenetic location: 15q21.1.
Variant type: single nucleotide variant.
Coding change: c.3320G>C on transcript NM_025137.4 (MANE Select); coding-DNA position 3320, G replaced by C.
Protein change: p.Cys1107Ser; replaces cysteine 1107 with serine.
Molecular consequence: missense variant.
Genome position (GRCh38, 1-based): chr15:44,608,577, C>G on the plus strand (G>C on the coding strand, the complement: SPG11 is on the minus strand). VCF-style: chr15-44608577-C-G. GRCh37 (hg19) VCF-style: chr15-44900775-C-G.
Other names: c.3320G>C, p.Cys1107Ser (NM_001160227.2); short protein forms C1107S.
Identifiers: ClinVar variation 406528 (VCV000406528.18), dbSNP rs201271196, ClinGen allele CA7534998.
Genomic context (GRCh38, chr15:44,608,577, plus strand): 5'-TTTAGCTTGGGGTAAGGAGTTAATGCCATCTTCAATAGCTGGGGATCCACTTTCTTCAAA[C>G]AGTTTTCATTTTCTTCATTCTGAACAACCTAAGTAAAAAAACAGATAACAGGTTGGACAG-3'
Protein context (NP_079413.3, residues 1097-1117): QVVQNEENEN[Cys1107Ser]LKKVDPQLLK

ClinVar aggregate classification (germline): Conflicting classifications of pathogenicity. Review status: criteria provided, conflicting classifications (1 of 4 stars). 5 submissions from 5 submitters: Uncertain significance (3); Likely benign (2). Last evaluated 2026-02-01.

Conditions:
Charcot-Marie-Tooth disease axonal type 2X. Also called: CHARCOT-MARIE-TOOTH DISEASE, AXONAL, AUTOSOMAL RECESSIVE, TYPE 2X; CHARCOT-MARIE-TOOTH NEUROPATHY, TYPE 2X. Identifiers: Orphanet 466775, MedGen C5569024, MONDO:0014726, OMIM 616668.
Amyotrophic lateral sclerosis type 5 (ALS5). Also called: AMYOTROPHIC LATERAL SCLEROSIS 5, JUVENILE. Identifiers: Orphanet 300605, MedGen C1865864, MONDO:0011196, OMIM 602099.
Hereditary spastic paraplegia 11. Also called: Spastic Paraplegia 11; Nakamura Osame syndrome; Autosomal recessive hereditary spastic paraplegia, mental impairment, and thin corpus callosum; Spastic paraplegia, mental retardation and thin corpus callosum; SPASTIC PARAPLEGIA, AUTOSOMAL RECESSIVE, COMPLICATED, WITH THIN CORPUS CALLOSUM; SPASTIC PARAPLEGIA, AUTOSOMAL RECESSIVE, WITH MENTAL IMPAIRMENT AND THIN CORPUS CALLOSUM. Identifiers: Orphanet 2822, MedGen C1858479, MONDO:0011445, OMIM 604360.
Inborn genetic diseases. Identifiers: MedGen C0950123, MeSH D030342.

Allele frequency attached by ClinVar (database versions not stated): ESP Exome Variant Server 0.00008; gnomAD 0.00009 and 0.00015; TOPMed 0.00009; gnomAD exomes 0.00020; ExAC 0.00023; 1000 Genomes Project 30x 0.00078; 1000 Genomes Project 0.00080.
gnomAD v4.1: 173 of 1,614,038 alleles (0.011%); highest among the groups gnomAD compares: East Asian, 0.15%; no homozygotes.

Submissions (5):

CeGaT Center for Human Genetics Tuebingen
Classification: Uncertain significance. Last evaluated: 2026-02-01. Review status: criteria provided, single submitter. Criteria: CeGaT Center For Human Genetics Tuebingen Variant Classification Criteria Version 2. Collection method: clinical testing. Allele origin: germline. Affected: yes. Observed: 1 variant allele.
Comment: SPG11: PM2, BP4

Labcorp Genetics (formerly Invitae), Labcorp
Classification: Likely benign for Hereditary spastic paraplegia 11. Last evaluated: 2026-01-19. Review status: criteria provided, single submitter. Criteria: Invitae Variant Classification Sherloc (09022015). Collection method: clinical testing. Allele origin: germline.

Ambry Genetics
Classification: Uncertain significance for Inborn genetic diseases. Last evaluated: 2025-06-17. Review status: criteria provided, single submitter. Criteria: Ambry Variant Classification Scheme 2023. Collection method: clinical testing. Allele origin: germline.

Women's Health and Genetics/Laboratory Corporation of America, LabCorp
Classification: Likely benign. Last evaluated: 2023-02-13. Review status: criteria provided, single submitter. Criteria: LabCorp Variant Classification Summary - May 2015. Collection method: clinical testing. Allele origin: germline.
Comment: Variant summary: SPG11 c.3320G>C (p.Cys1107Ser) results in a non-conservative amino acid change in the encoded protein sequence. Four of five in-silico tools predict a benign effect of the variant on protein function. The variant allele was found at a frequency of 0.0002 in 251260 control chromosomes, predominantly at a frequency of 0.0016 within the East Asian subpopulation in the gnomAD database. The observed variant frequency within East Asian control individuals in the gnomAD database is approximately 1.43 fold of the estimated maximal expected allele frequency for a pathogenic variant in SPG11 causing Hereditary Spastic Paraplegia, Type 11 phenotype (0.0011), strongly suggesting that the variant is a benign polymorphism found primarily in populations of East Asian origin. c.3320G>C has been reported in the literature an individuals reported with ALS, without strong evidence for causality (Chen_2020). This report does not provide unequivocal conclusions about association of the variant with Hereditary Spastic Paraplegia, Type 11. To our knowledge, no experimental evidence demonstrating an impact on protein function has been reported. Three clinical diagnostic laboratories have submitted clinical-significance assessments for this variant to ClinVar after 2014 without evidence for independent evaluation. Two submitters classified as VUS while one classified as likely benign. Based on the evidence outlined above, the variant was classified as likely benign.

Fulgent Genetics
Classification: Uncertain significance for Amyotrophic lateral sclerosis type 5; Hereditary spastic paraplegia 11; Charcot-Marie-Tooth disease axonal type 2X. Last evaluated: 2021-12-17. Review status: criteria provided, single submitter. Criteria: ACMG Guidelines, 2015. Collection method: clinical testing. Allele origin: unknown.

Literature cited by the submitters: PubMed 32166880 (cited by Women's Health and Genetics/Laboratory Corporation of America, LabCorp).